The following is an entry in ClinVar:

ClinVar aggregate classification (germline): Likely pathogenic (1 of 4 stars; one submission).

Submission:

GeneDx
Classification: Likely pathogenic. Last evaluated: 2022-10-11. Review status: criteria provided, single submitter. Criteria: GeneDx Variant Classification Process June 2021. Collection method: clinical testing. Allele origin: germline. Affected: yes.
Comment: Frameshift variant predicted to result in protein truncation or nonsense mediated decay in a gene for which loss-of-function is a known mechanism of disease; Not observed at significant frequency in large population cohorts (gnomAD); Has not been previously published as pathogenic or benign to our knowledge

NM_032380.5(GFM2):c.1688_1694del (p.Ala563fs)

Gene: GFM2 (GTP dependent ribosome recycling factor mitochondrial 2; minus strand). Cytogenetic location: 5q13.3.
Variant type: Deletion.
Coding change: c.1688_1694del on transcript NM_032380.5 (MANE Select); coding-DNA positions 1688 to 1694, 7 bases deleted (CATATCG; older notation c.1688_1694delCATATCG).
Protein change: p.Ala563fs; shifts the reading frame from alanine 563.
Molecular consequence: frameshift variant.
Genome position (GRCh38, 1-based): chr5:74,730,292-74,730,298, CGATATG deleted on the plus strand (CATATCG on the coding strand, the reverse complement: GFM2 is on the minus strand); deleting any 7 consecutive bases within chr5:74,730,292-74,730,299 gives the same sequence; the c. name uses the placement nearest the transcript's 3' end. VCF-style (leftmost placement, unchanged base first): chr5-74730291-TCGATATG-T. GRCh37 (hg19) VCF-style: chr5-74026116-TCGATATG-T.
Other names: c.1784_1790del, p.Ala595fs (NM_001281302.2); c.1547_1553del, p.Ala516fs (NM_170691.3); short protein forms A516fs, A563fs, A595fs.
Identifiers: ClinVar variation 1710900 (VCV001710900.2), dbSNP rs751099539, ClinGen allele CA3306454.